The following is an entry in ClinVar:

NM_001023570.4(IQCB1):c.264-8T>C

Gene: IQCB1 (IQ motif containing B1; minus strand). Cytogenetic location: 3q13.33.
Variant type: single nucleotide variant.
Coding change: c.264-8T>C on transcript NM_001023570.4 (MANE Select); 8 bases into the intron before coding-DNA position 264, T replaced by C.
Molecular consequence: intron variant.
Genome position (GRCh38, 1-based): chr3:121,826,188, A>G on the plus strand (T>C on the coding strand, the complement: IQCB1 is on the minus strand). VCF-style: chr3-121826188-A-G. GRCh37 (hg19) VCF-style: chr3-121545035-A-G.
Other names: c.264-8T>C (NM_001319107.2, NM_001023571.4, NM_001023570.3).
Identifiers: ClinVar variation 2887650 (VCV002887650.4), dbSNP rs745669281, ClinGen allele CA2567472.

ClinVar aggregate classification (germline): Likely benign. Review status: criteria provided, multiple submitters, no conflicts (2 of 4 stars). 2 submissions from 2 submitters: Likely benign (2). Last evaluated 2026-04-21.

Conditions:
Nephronophthisis. Also called: Juvenile Nephronophthisis. Identifiers: Orphanet 655, MedGen C0687120, MONDO:0019005, HP:0000090.
IQCB1-related disorder. Also called: IQCB1-related condition.

Allele frequency attached by ClinVar (database versions not stated): ExAC 0.00001; gnomAD exomes 0.00001.
gnomAD v4.1: 9 of 1,613,600 alleles (0.00056%); highest among the groups gnomAD compares: African/African-American, 0.0013%; no homozygotes.

Submissions (2):

PreventionGenetics, part of Exact Sciences
Classification: Likely benign for IQCB1-related condition. Last evaluated: 2026-04-21. Review status: criteria provided, single submitter. Criteria: ACMG Guidelines, 2015. Collection method: clinical testing. Allele origin: germline.
Comment: This variant is classified as likely benign based on ACMG/AMP sequence variant interpretation guidelines (Richards et al. 2015 PMID: 25741868, with internal and published modifications).

Labcorp Genetics (formerly Invitae), Labcorp
Classification: Likely benign for Nephronophthisis. Last evaluated: 2023-03-27. Review status: criteria provided, single submitter. Criteria: Invitae Variant Classification Sherloc (09022015). Collection method: clinical testing. Allele origin: germline.